The following is an entry in ClinVar:

NM_016580.4(PCDH12):c.1302C>A (p.Asp434Glu)

Genes: PCDH12 (protocadherin 12; minus strand), RNF14 (ring finger protein 14; plus strand). Cytogenetic location: 5q31.3.
Variant type: single nucleotide variant.
Coding change: c.1302C>A on transcript NM_016580.4 (MANE Select); coding-DNA position 1302, C replaced by A.
Protein change: p.Asp434Glu; replaces aspartic acid 434 with glutamic acid.
Molecular consequence: missense variant.
Genome position (GRCh38, 1-based): chr5:141,956,550, G>T on the plus strand (C>A on the coding strand, the complement: PCDH12 is on the minus strand). VCF-style: chr5-141956550-G-T. GRCh37 (hg19) VCF-style: chr5-141336115-G-T.
Other names: c.1302C>A (NM_016580.2); short protein forms D434E.
Identifiers: ClinVar variation 1438960 (VCV001438960.4), dbSNP rs140142979, ClinGen allele CA3484430.

ClinVar aggregate classification (germline): Uncertain significance. Review status: criteria provided, multiple submitters, no conflicts (2 of 4 stars). 2 submissions from 2 submitters: Uncertain significance (2). Last evaluated 2025-07-15.

Conditions:
Inborn genetic diseases. Identifiers: MedGen C0950123, MeSH D030342.

Allele frequency attached by ClinVar (database versions not stated): gnomAD 0.00011; gnomAD exomes 0.00016 and 0.00021; TOPMed 0.00017; ExAC 0.00020; ESP Exome Variant Server 0.00023.
gnomAD v4.1: 330 of 1,614,086 alleles (0.02%); highest among the groups gnomAD compares: Middle Eastern, 0.033%; no homozygotes.

Submissions (2):

Ambry Genetics
Classification: Uncertain significance for Inborn genetic diseases. Last evaluated: 2025-07-15. Review status: criteria provided, single submitter. Criteria: Ambry Variant Classification Scheme 2023. Collection method: clinical testing. Allele origin: germline.

Labcorp Genetics (formerly Invitae), Labcorp
Classification: Uncertain significance. Last evaluated: 2022-10-13. Review status: criteria provided, single submitter. Criteria: Invitae Variant Classification Sherloc (09022015). Collection method: clinical testing. Allele origin: germline.
Comment: This sequence change replaces aspartic acid, which is acidic and polar, with glutamic acid, which is acidic and polar, at codon 434 of the PCDH12 protein (p.Asp434Glu). This variant is present in population databases (rs140142979, gnomAD 0.06%). This variant has not been reported in the literature in individuals affected with PCDH12-related conditions. ClinVar contains an entry for this variant (Variation ID: 1438960). Advanced modeling of protein sequence and biophysical properties (such as structural, functional, and spatial information, amino acid conservation, physicochemical variation, residue mobility, and thermodynamic stability) performed at Invitae indicates that this missense variant is expected to disrupt PCDH12 protein function. In summary, the available evidence is currently insufficient to determine the role of this variant in disease. Therefore, it has been classified as a Variant of Uncertain Significance.